The following is an entry in ClinVar:

ClinVar aggregate classification (germline): Uncertain significance. Review status: criteria provided, multiple submitters, no conflicts (2 of 4 stars). 3 submissions from 3 submitters: Uncertain significance (3). Last evaluated 2024-03-05.

Conditions:
Global developmental delay - lung cysts - overgrowth - Wilms tumor syndrome. Also called: GLOBAL DEVELOPMENTAL DELAY, LUNG CYSTS, OVERGROWTH, AND WILMS TUMOR; GLOW Syndrome. Identifiers: Orphanet 404476, MedGen C4748924, MONDO:0018445, OMIM 618272.
DICER1-related tumor predisposition. Also called: DICER1-related pleuropulmonary blastoma cancer predisposition syndrome; DICER1 syndrome. Identifiers: Orphanet 284343, MedGen C3839822, MONDO:0100216.
Hereditary cancer-predisposing syndrome. Also called: Hereditary Cancer Syndrome; Neoplastic Syndromes, Hereditary; Hereditary neoplastic syndrome; Tumor predisposition. Identifiers: Orphanet 140162, MedGen C0027672, MeSH D009386, MONDO:0015356.

Submissions (3):

Baylor Genetics
Classification: Uncertain significance for Global developmental delay - lung cysts - overgrowth - Wilms tumor syndrome. Last evaluated: 2024-03-05. Review status: criteria provided, single submitter. Criteria: ACMG Guidelines, 2015. Collection method: clinical testing. Allele origin: unknown.

Labcorp Genetics (formerly Invitae), Labcorp
Classification: Uncertain significance for DICER1-related tumor predisposition. Last evaluated: 2024-02-23. Review status: criteria provided, single submitter. Criteria: Invitae Variant Classification Sherloc (09022015). Collection method: clinical testing. Allele origin: germline.
Comment: This sequence change replaces histidine, which is basic and polar, with arginine, which is basic and polar, at codon 815 of the DICER1 protein (p.His815Arg). This variant is not present in population databases (gnomAD no frequency). This variant has not been reported in the literature in individuals affected with DICER1-related conditions. ClinVar contains an entry for this variant (Variation ID: 821287). Advanced modeling of protein sequence and biophysical properties (such as structural, functional, and spatial information, amino acid conservation, physicochemical variation, residue mobility, and thermodynamic stability) performed at Invitae indicates that this missense variant is not expected to disrupt DICER1 protein function with a negative predictive value of 80%. In summary, the available evidence is currently insufficient to determine the role of this variant in disease. Therefore, it has been classified as a Variant of Uncertain Significance.

Ambry Genetics
Classification: Uncertain significance for Hereditary cancer-predisposing syndrome. Last evaluated: 2023-10-16. Review status: criteria provided, single submitter. Criteria: Ambry Variant Classification Scheme 2023. Collection method: clinical testing. Allele origin: germline.
Comment: The p.H815R variant (also known as c.2444A>G), located in coding exon 15 of the DICER1 gene, results from an A to G substitution at nucleotide position 2444. The histidine at codon 815 is replaced by arginine, an amino acid with highly similar properties. This amino acid position is highly conserved in available vertebrate species. In addition, the in silico prediction for this alteration is inconclusive. Since supporting evidence is limited at this time, the clinical significance of this alteration remains unclear.

NM_177438.3(DICER1):c.2444A>G (p.His815Arg)

Gene: DICER1 (dicer 1, ribonuclease III; minus strand). Cytogenetic location: 14q32.13.
Variant type: single nucleotide variant.
Coding change: c.2444A>G on transcript NM_177438.3 (MANE Select); coding-DNA position 2444, A replaced by G.
Protein change: p.His815Arg; replaces histidine 815 with arginine.
Molecular consequence: missense variant.
Genome position (GRCh38, 1-based): chr14:95,108,086, T>C on the plus strand (A>G on the coding strand, the complement: DICER1 is on the minus strand). VCF-style: chr14-95108086-T-C. GRCh37 (hg19) VCF-style: chr14-95574423-T-C.
Other names: c.2444A>G, p.His815Arg (NM_001195573.1, NM_001271282.3, NM_001291628.2 and 1 more transcripts); short protein forms H815R.
Identifiers: ClinVar variation 821287 (VCV000821287.14), dbSNP rs1595380919, ClinGen allele CA390882017.
Genomic context (GRCh38, chr14:95,108,086, plus strand): 5'-CCAGACTTCTTCAACTCAATGGATATGGTAACCTCTCCAGAGCGTGTGTACACAGGAAAG[T>C]GTGGAATCTTAGCAAAAGGAAATGTAAAGCACCCCTCAAAATTAACAGGTATTTTATTCC-3'
Protein context (NP_803187.1, residues 805-825): LTAKPIPQIP[His815Arg]FPVYTRSGEV